The following is an entry in ClinVar:

NM_000238.4(KCNH2):c.1825G>C (p.Asp609His)

Gene: KCNH2 (potassium voltage-gated channel subfamily H member 2; minus strand). Cytogenetic location: 7q36.1.
Variant type: single nucleotide variant.
Coding change: c.1825G>C on transcript NM_000238.4 (MANE Select); coding-DNA position 1825, G replaced by C.
Protein change: p.Asp609His; replaces aspartic acid 609 with histidine.
Molecular consequence: missense variant.
Genome position (GRCh38, 1-based): chr7:150,951,568, C>G on the plus strand (G>C on the coding strand, the complement: KCNH2 is on the minus strand). VCF-style: chr7-150951568-C-G. GRCh37 (hg19) VCF-style: chr7-150648656-C-G.
Other names: c.1825G>C (LRG_288t1); c.805G>C, p.Asp269His (NM_001204798.2, NM_172057.3); c.1537G>C, p.Asp513His (NM_001406753.1, NM_001406756.1); c.1648G>C, p.Asp550His (NM_001406755.1); c.1525G>C, p.Asp509His (NM_001406757.1); c.1825G>C, p.Asp609His (NM_172056.3); short protein forms D269H, D609H, D513H, D550H, D509H.
Identifiers: ClinVar variation 67287 (VCV000067287.3), dbSNP rs199472941, ClinGen allele CA005600.
Genomic context (GRCh38, chr7:150,951,568, plus strand): 5'-TGCCGAAGCCCACACTGGTGAGGCTGCTGAAGGTGAAGTAGAGCGCCGTCACATACTTGT[C>G]CTTGATGGAGGGGCCGCCCAGGCCGCTGCTGTTGTAGGGTTTGCCTATCTGGTCGCCCAG-3'
Protein context (NP_000229.1, residues 599-619): SSGLGGPSIK[Asp609His]KYVTALYFTF

ClinVar aggregate classification (germline): not provided (0 of 4 stars; one submission).

Conditions:
Familial long QT syndrome (RWS). Also called: Congenital long QT syndrome; Romano-Ward syndrome; VENTRICULAR FIBRILLATION WITH PROLONGED QT INTERVAL. Identifiers: Orphanet 768, MedGen C1141890, MONDO:0019171.

Submission:

Cardiovascular Biomedical Research Unit, Royal Brompton & Harefield NHS Foundation Trust
No classification provided. Condition: Familial long QT syndrome. Review status: no classification provided. Collection method: literature only. Allele origin: germline.
Comment: This variant has been reported as associated with Long QT syndrome in the following publications (PMID:16414944). This is a literature report, and does not necessarily reflect the clinical interpretation of the Imperial College / Royal Brompton Cardiovascular Genetics laboratory.

Literature cited by the submitters: PubMed 16414944; PubMed 22581653.